The following is an entry in ClinVar:

NM_000065.5(C6):c.685C>A (p.Pro229Thr)

Gene: C6 (complement C6; minus strand). Cytogenetic location: 5p13.1.
Variant type: single nucleotide variant.
Coding change: c.685C>A on transcript NM_000065.5 (MANE Select); coding-DNA position 685, C replaced by A.
Protein change: p.Pro229Thr; replaces proline 229 with threonine.
Molecular consequence: missense variant.
Genome position (GRCh38, 1-based): chr5:41,186,111, G>T on the plus strand (C>A on the coding strand, the complement: C6 is on the minus strand). VCF-style: chr5-41186111-G-T. GRCh37 (hg19) VCF-style: chr5-41186213-G-T.
Other names: c.685C>A, p.Pro229Thr (NM_001115131.4); short protein forms P229T.
Identifiers: ClinVar variation 1477080 (VCV001477080.6), dbSNP rs761805631, ClinGen allele CA359602928.

ClinVar aggregate classification (germline): Uncertain significance (1 of 4 stars; one submission).

Submission:

Labcorp Genetics (formerly Invitae), Labcorp
Classification: Uncertain significance. Last evaluated: 2021-12-03. Review status: criteria provided, single submitter. Criteria: Invitae Variant Classification Sherloc (09022015). Collection method: clinical testing. Allele origin: germline.
Comment: This variant is not present in population databases (gnomAD no frequency). In summary, the available evidence is currently insufficient to determine the role of this variant in disease. Therefore, it has been classified as a Variant of Uncertain Significance. Algorithms developed to predict the effect of missense changes on protein structure and function (SIFT, PolyPhen-2, Align-GVGD) all suggest that this variant is likely to be tolerated. This variant has not been reported in the literature in individuals affected with C6-related conditions. This sequence change replaces proline, which is neutral and non-polar, with threonine, which is neutral and polar, at codon 229 of the C6 protein (p.Pro229Thr).